The following is an entry in ClinVar:

NM_002109.6(HARS1):c.840G>A (p.Val280=)

Gene: HARS1 (histidyl-tRNA synthetase 1; minus strand). Cytogenetic location: 5q31.3.
Variant type: single nucleotide variant.
Coding change: c.840G>A on transcript NM_002109.6 (MANE Select); coding-DNA position 840, G replaced by A.
Protein change: p.Val280=; no amino-acid change (valine 280 retained).
Molecular consequence: synonymous variant.
Genome position (GRCh38, 1-based): chr5:140,677,100, C>T on the plus strand (G>A on the coding strand, the complement: HARS1 is on the minus strand). VCF-style: chr5-140677100-C-T. GRCh37 (hg19) VCF-style: chr5-140056685-C-T.
Other names: c.840G>A (NM_002109.5); c.720G>A, p.Val240= (NM_001258040.3); c.780G>A, p.Val260= (NM_001258041.3); c.660G>A, p.Val220= (NM_001258042.3); c.618G>A, p.Val206= (NM_001289092.2); c.498G>A, p.Val166= (NM_001289093.2); c.753G>A, p.Val251= (NM_001289094.2).
Identifiers: ClinVar variation 1680319 (VCV001680319.10), dbSNP rs1275864095, ClinGen allele CA446640332.

ClinVar aggregate classification (germline): Likely benign. Review status: criteria provided, multiple submitters, no conflicts (2 of 4 stars). 3 submissions from 3 submitters: Likely benign (3). Last evaluated 2026-03-28.

Conditions:
Usher syndrome type 3B. Also called: USHER SYNDROME, TYPE IIIB. Identifiers: MedGen C3281066, MONDO:0013788, OMIM 614504.
HARS1-related disorder. Also called: HARS1-related condition.

Allele frequency attached by ClinVar (database versions not stated): gnomAD exomes below 0.00001.
gnomAD v4.1: 5 of 1,614,118 alleles (0.00031%); highest among the groups gnomAD compares: Admixed American, 0.0017%; no homozygotes.

Submissions (3):

PreventionGenetics, part of Exact Sciences
Classification: Likely benign for HARS1-related condition. Last evaluated: 2026-03-28. Review status: criteria provided, single submitter. Criteria: ACMG Guidelines, 2015. Collection method: clinical testing. Allele origin: germline.
Comment: This variant is classified as likely benign based on ACMG/AMP sequence variant interpretation guidelines (Richards et al. 2015 PMID: 25741868, with internal and published modifications).

ARUP Laboratories, Molecular Genetics and Genomics, ARUP Laboratories
Classification: Likely benign. Last evaluated: 2024-10-03. Review status: criteria provided, single submitter. Criteria: ARUP Molecular Germline Variant Investigation Process 2024. Collection method: clinical testing. Allele origin: germline.

Labcorp Genetics (formerly Invitae), Labcorp
Classification: Likely benign for Usher syndrome type 3B. Last evaluated: 2024-02-24. Review status: criteria provided, single submitter. Criteria: Invitae Variant Classification Sherloc (09022015). Collection method: clinical testing. Allele origin: germline.